The following is an entry in ClinVar:

NM_001165963.4(SCN1A):c.5857CTT[1] (p.Leu1954del)

Genes: SCN1A (sodium voltage-gated channel alpha subunit 1; minus strand), LOC102724058 (uncharacterized LOC102724058; plus strand). Cytogenetic location: 2q24.3.
Variant type: Microsatellite.
Coding change: c.5857CTT[1] on transcript NM_001165963.4 (MANE Select); one copy of the 3-base unit CTT starting at c.5857; the reference has two copies in a row; one copy, 3 bases deleted.
Protein change: p.Leu1954del; deletes leucine 1954.
Molecular consequence: non-coding transcript variant (on NR_148667.2).
Genome position (GRCh38, 1-based): chr2:165,991,413-165,991,415, AAG deleted on the plus strand (CTT on the coding strand, the reverse complement: SCN1A is on the minus strand); deleting any 3 consecutive bases within chr2:165,991,413-165,991,419 gives the same sequence; the position shown is the placement nearest the transcript's 3' end. VCF-style (leftmost placement, unchanged base first): chr2-165991412-TAAG-T. GRCh37 (hg19) VCF-style: chr2-166847922-TAAG-T.
Other names: c.5773CTT[1], p.Leu1926del (NM_001165964.3, NM_001353957.2, NM_001353958.2); c.5857CTT[1], p.Leu1954del (NM_001202435.3, NM_001353948.2); c.5824CTT[1], p.Leu1943del (NM_001353949.2, NM_001353950.2, NM_001353951.2 and 2 more transcripts); c.5821CTT[1], p.Leu1942del (NM_001353954.2, NM_001353955.2); c.5770CTT[1], p.Leu1925del (NM_001353960.2); c.3415CTT[1], p.Leu1140del (NM_001353961.2); short protein forms L1926del, L1942del, L1925del, L1954del, L1140del, L1943del.
Identifiers: ClinVar variation 3712539 (VCV003712539.2).

ClinVar aggregate classification (germline): Uncertain significance (1 of 4 stars; one submission).

Conditions:
Early-infantile DEE. Also called: Early infantile epileptic encephalopathy; Early infantile epileptic encephalopathy with suppression bursts; Ohtahara syndrome. Identifiers: Orphanet 1934, MedGen C0393706, MONDO:0800491.

Submission:

Labcorp Genetics (formerly Invitae), Labcorp
Classification: Uncertain significance for Early-infantile DEE. Last evaluated: 2024-03-26. Review status: criteria provided, single submitter. Criteria: Invitae Variant Classification Sherloc (09022015). Collection method: clinical testing. Allele origin: germline.
Comment: This variant, c.5860_5862del, results in the deletion of 1 amino acid(s) of the SCN1A protein (p.Leu1954del), but otherwise preserves the integrity of the reading frame. This variant is present in population databases (rs776519927, gnomAD 0.006%). This variant has not been reported in the literature in individuals affected with SCN1A-related conditions. Experimental studies and prediction algorithms are not available or were not evaluated, and the functional significance of this variant is currently unknown. In summary, the available evidence is currently insufficient to determine the role of this variant in disease. Therefore, it has been classified as a Variant of Uncertain Significance.